The following is an entry in ClinVar:

NM_001042492.3(NF1):c.2322del (p.Glu775fs)

Gene: NF1 (neurofibromin 1; plus strand). Cytogenetic location: 17q11.2.
Variant type: Deletion.
Coding change: c.2322del on transcript NM_001042492.3 (MANE Select); coding-DNA position 2322, one base deleted (T; older notation c.2322delT).
Protein change: p.Glu775fs; shifts the reading frame from glutamic acid 775.
Molecular consequence: frameshift variant.
Genome position (GRCh38, 1-based): chr17:31,227,288, T deleted. VCF-style (leftmost placement, unchanged base first): chr17-31227287-CT-C. GRCh37 (hg19) VCF-style: chr17-29554305-CT-C.
Other names: c.2322delT, p.Glu775Argfs (NM_000267.4); short protein forms E775fs.
Identifiers: ClinVar variation 1434222 (VCV001434222.6), dbSNP rs2151427010, ClinGen allele CA2573153274.

ClinVar aggregate classification (germline): Pathogenic (1 of 4 stars; one submission).

Conditions:
Neurofibromatosis, type 1 (NF1). Also called: Peripheral type neurofibromatosis; VON RECKLINGHAUSEN DISEASE; NEUROFIBROMATOSIS, TYPE I, SOMATIC; Neurofibromatosis, type I. Identifiers: Orphanet 636, MedGen C0027831, MONDO:0018975, OMIM 162200. Disease mechanism: loss of function.

Submission:

Labcorp Genetics (formerly Invitae), Labcorp
Classification: Pathogenic for Neurofibromatosis, type 1. Last evaluated: 2021-03-09. Review status: criteria provided, single submitter. Criteria: Invitae Variant Classification Sherloc (09022015). Collection method: clinical testing. Allele origin: germline.
Comment: For these reasons, this variant has been classified as Pathogenic. This variant has not been reported in the literature in individuals with NF1-related conditions. This variant is not present in population databases (ExAC no frequency). This sequence change creates a premature translational stop signal (p.Glu775Argfs*16) in the NF1 gene. It is expected to result in an absent or disrupted protein product. Loss-of-function variants in NF1 are known to be pathogenic (PMID: 10712197, 23913538).

Literature cited by the submitters: PubMed 10712197; PubMed 23913538.